The following is an entry in ClinVar:

NM_000554.6(CRX):c.323del (p.Pro108fs)

Gene: CRX (cone-rod homeobox; plus strand). Cytogenetic location: 19q13.33.
Variant type: Deletion.
Coding change: c.323del on transcript NM_000554.6 (MANE Select); coding-DNA position 323, one base deleted (C; older notation c.323delC).
Protein change: p.Pro108fs; shifts the reading frame from proline 108.
Molecular consequence: frameshift variant.
Genome position (GRCh38, 1-based): chr19:47,839,390, C deleted; the last of 5 consecutive C bases (chr19:47,839,386-47,839,390); deleting any one gives the same sequence. VCF-style (leftmost placement, unchanged base first): chr19-47839385-GC-G. GRCh37 (hg19) VCF-style: chr19-48342642-GC-G.
Other names: short protein forms P108fs.
Identifiers: ClinVar variation 1035273 (VCV001035273.9), dbSNP rs1968162287, ClinGen allele CA508261220.

ClinVar aggregate classification (germline): Pathogenic/Likely pathogenic. Review status: criteria provided, multiple submitters, no conflicts (2 of 4 stars). 2 submissions from 2 submitters: Pathogenic (1); Likely pathogenic (1). Last evaluated 2025-12-06.

Conditions:
CRX-related disorders.
Leber congenital amaurosis 7 (LCA7). Identifiers: Orphanet 65, MedGen C3151192, MONDO:0013449, OMIM 613829.
Cone-rod dystrophy 2 (CORD2). Also called: CONE-ROD RETINAL DYSTROPHY; Cone-rod retinal dystrophy 2. Identifiers: Orphanet 1872, MedGen C3489532, MONDO:0007362, OMIM 120970.

Submissions (2):

Labcorp Genetics (formerly Invitae), Labcorp
Classification: Pathogenic for Cone-rod dystrophy 2; Leber congenital amaurosis 7. Last evaluated: 2025-12-06. Review status: criteria provided, single submitter. Criteria: Invitae Variant Classification Sherloc (09022015). Collection method: clinical testing. Allele origin: germline.
Comment: This sequence change creates a premature translational stop signal (p.Pro108Glnfs*79) in the CRX gene. While this is not anticipated to result in nonsense mediated decay, it is expected to disrupt the last 192 amino acid(s) of the CRX protein. This variant is not present in population databases (gnomAD no frequency). This variant has not been reported in the literature in individuals affected with CRX-related conditions. ClinVar contains an entry for this variant (Variation ID: 1035273). This variant disrupts a region of the CRX protein in which other variant(s) (p.Tyr258*) have been determined to be pathogenic (PMID: 22968130, 25270190). This suggests that this is a clinically significant region of the protein, and that variants that disrupt it are likely to be disease-causing. For these reasons, this variant has been classified as Pathogenic.

Blueprint Genetics
Classification: Likely pathogenic for CRX-related disorders. Last evaluated: 2023-08-31. Review status: criteria provided, single submitter. Criteria: ACMG Guidelines, 2015. Collection method: clinical testing. Allele origin: germline. Affected: yes. Observed: 1 variant allele.

Literature cited by the submitters: PubMed 22968130 (cited by Labcorp Genetics (formerly Invitae), Labcorp); PubMed 25270190 (cited by Labcorp Genetics (formerly Invitae), Labcorp).